The following is an entry in ClinVar:

ClinVar aggregate classification (germline): Conflicting classifications of pathogenicity. Review status: criteria provided, conflicting classifications (1 of 4 stars). 3 submissions from 3 submitters: Likely pathogenic (2); Uncertain significance (1). Last evaluated 2025-07-27.

Conditions:
Hypogonadotropic hypogonadism 1 with or without anosmia (HH1). Also called: HYPOGONADOTROPIC HYPOGONADISM AND ANOSMIA; HYPOGONADOTROPIC HYPOGONADISM 1 WITH ANOSMIA; Kallmann syndrome, type 1, X-linked; DYSPLASIA OLFACTOGENITALIS OF DE MORSIER; KAL1-Related GnRH Deficiency (Kallmann Syndrome 1; Kallmann Syndrome, X-Linked); Hypogonadotropic hypogonadism 1 with or without anosmia (Kallmann syndrome 1). Identifiers: Orphanet 478, MedGen C1563719, MONDO:0010635, OMIM 308700. Disease mechanism: loss of function.

Allele frequency attached by ClinVar (database versions not stated): gnomAD 0.00004; gnomAD exomes 0.00001 and 0.00003; TOPMed 0.00004; ExAC 0.00004.
gnomAD v4.1: 12 of 1,189,086 alleles (0.001%); highest among the groups gnomAD compares: African/African-American, 0.011%; no homozygotes.

Submissions (3):

Mendelics
Classification: Uncertain significance for Hypogonadotropic hypogonadism 1 with or without anosmia. Last evaluated: 2025-07-27. Review status: criteria provided, single submitter. Criteria: Mendelics Assertion Criteria 2019. Collection method: clinical testing. Allele origin: germline.
Comment: Variant NM_000216.4(ANOS1):c.255+5G>A has low population frequency (GnomAD 4.1.0 AF 0.00001009) with 12 genotyped alleles (6 hemizygotes). This variant is not previously described in the literature. Other cases in internal databases (including males) carry this variant with no ANOS1 phenotype detected.

First Genomix Gene Laboratory, Genetic Diagnostics Department
Classification: Likely pathogenic for Hypogonadotropic hypogonadism 1 with or without anosmia. Last evaluated: 2025-07-10. Review status: criteria provided, single submitter. Criteria: ACMG Guidelines, 2015. Collection method: clinical testing. Allele origin: germline. Inheritance: X-linked recessive inheritance. Affected: no. Observed: 1 variant allele.

Shenzhen Institute of Pediatrics, Shenzhen Children's Hospital
Classification: Likely pathogenic for Hypogonadotropic hypogonadism 1 with or without anosmia. Last evaluated: 2017-04-27. Review status: criteria provided, single submitter. Criteria: ACMG Guidelines, 2015. Collection method: clinical testing. Allele origin: inherited. Inheritance: X-linked recessive inheritance. Affected: yes. Observed: 1 variant allele, 1 homozygote.
Comment: Homozygous mutation was confirmed

NM_000216.4(ANOS1):c.255+5G>A

Gene: ANOS1 (anosmin 1; minus strand). Cytogenetic location: Xp22.31.
Variant type: single nucleotide variant.
Coding change: c.255+5G>A on transcript NM_000216.4 (MANE Select); 5 bases into the intron after coding-DNA position 255, G replaced by A.
Molecular consequence: intron variant.
Genome position (GRCh38, 1-based): chrX:8,699,693, C>T on the plus strand (G>A on the coding strand, the complement: ANOS1 is on the minus strand). VCF-style: chrX-8699693-C-T. GRCh37 (hg19) VCF-style: chrX-8667734-C-T.
Identifiers: ClinVar variation 427743 (VCV000427743.5), dbSNP rs773138384, ClinGen allele CA10343843.